The following is an entry in ClinVar:

NM_152296.5(ATP1A3):c.2677G>A (p.Gly893Arg)

Gene: ATP1A3 (ATPase Na+/K+ transporting subunit alpha 3; minus strand). Cytogenetic location: 19q13.2.
Variant type: single nucleotide variant.
Coding change: c.2677G>A on transcript NM_152296.5 (MANE Select); coding-DNA position 2677, G replaced by A.
Protein change: p.Gly893Arg; replaces glycine 893 with arginine.
Molecular consequence: missense variant.
Genome position (GRCh38, 1-based): chr19:41,969,446, C>T on the plus strand (G>A on the coding strand, the complement: ATP1A3 is on the minus strand). VCF-style: chr19-41969446-C-T. GRCh37 (hg19) VCF-style: chr19-42473598-C-T.
Other names: c.2710G>A, p.Gly904Arg (NM_001256213.2); c.2716G>A, p.Gly906Arg (NM_001256214.2); short protein forms G893R, G904R, G906R.
Identifiers: ClinVar variation 1187017 (VCV001187017.11), dbSNP rs1568853466, ClinGen allele CA406037664.
Genomic context (GRCh38, chr19:41,969,446, plus strand): 5'-CCCCGGGGATCTTACGGTGGGCAGAGACACAGCACCCTGCCCTACTCACCCACTGCTGCC[C>T]GTAACTGTCTTCCAGGTCATTGACGGTGCGGTCATCCCAGTTCAGCCGGATGCCCACCAG-3'
Protein context (NP_689509.1, residues 883-903): RTVNDLEDSY[Gly893Arg]QQWTYEQRKV

ClinVar aggregate classification (germline): Pathogenic. Review status: criteria provided, multiple submitters, no conflicts (2 of 4 stars). 3 submissions from 3 submitters: Pathogenic (2). 1 of the submissions does not count toward it. Last evaluated 2023-06-26.

Conditions:
Dystonia 12 (DYT12). Also called: DYT-ATP1A3; Rapid-Onset Dystonia-Parkinsonism (RDP). Identifiers: Orphanet 71517, MedGen C1868681, MONDO:0007496, OMIM 128235.

Submissions (3):

GeneDx
Classification: Pathogenic. Last evaluated: 2023-06-26. Review status: criteria provided, single submitter. Criteria: GeneDx Variant Classification Process June 2021. Collection method: clinical testing. Allele origin: germline. Affected: yes.
Comment: Reported in a patient with progressive dystonia and cognitive disability, as well as a patient with a metabolic or endocrine-related condition not otherwise specified in published literature (Meijer et al., 2016; Klee et al., 2021); In silico analysis supports that this missense variant has a deleterious effect on protein structure/function; Not observed at significant frequency in large population cohorts (gnomAD); This variant is associated with the following publications: (PMID: 30891744, 24842602, 33144682, 34426522)

Labcorp Genetics (formerly Invitae), Labcorp
Classification: Pathogenic for Dystonia 12. Last evaluated: 2022-07-20. Review status: criteria provided, single submitter. Criteria: Invitae Variant Classification Sherloc (09022015). Collection method: clinical testing. Allele origin: germline.
Comment: For these reasons, this variant has been classified as Pathogenic. This sequence change replaces glycine, which is neutral and non-polar, with arginine, which is basic and polar, at codon 893 of the ATP1A3 protein (p.Gly893Arg). This variant is not present in population databases (gnomAD no frequency). This missense change has been observed in individual(s) with alternating hemiplegia of childhood (PMID: 24842602). In at least one individual the variant was observed to be de novo. ClinVar contains an entry for this variant (Variation ID: 1187017). Advanced modeling of protein sequence and biophysical properties (such as structural, functional, and spatial information, amino acid conservation, physicochemical variation, residue mobility, and thermodynamic stability) performed at Invitae indicates that this missense variant is expected to disrupt ATP1A3 protein function.

Diagnostics Centre, Carl Von Ossietzky University Oldenburg
Classification: Pathogenic. Last evaluated: 2025-06-20. Review status: no assertion criteria provided. Collection method: clinical testing. Allele origin: germline. Affected: yes. Observed: 1 variant allele. Not counted in ClinVar's aggregate classification.
Comment: The variant ATP1A3:c.2677G>A p.(Gly893Arg), is located in coding exon 19 of the ATP1A3 and results from a guanine-to-adenine substitution at nucleotide position c.2677. The glycine at protein position 893 is replaced by an arginine. Missense variants in this gene or the affected region are a known disease mechanism and are rare in the general population. The affected protein region has significant levels of missense constrain. The affected position is located in the Cation_ATPase_C family functional domain of the protein. In silico tools predict a strong deleterious effect in the protein structure/function (REVEL = 0,97). A colocalized missense variant (c.2677:G>C) in the protein position has been described as Likely pathogenic (VCV000581802.8). The variant has been classified as (Likely) Pathogenic in two entries in ClinVar (VCV001187017.10) and has also been described in two publications (PMIDs: 24842602, 30891744). The variant is classified as very rare since it is absent in gnomAD v4.1.0. In summary, this variant is classified as Pathogenic.

Literature cited by the submitters: PubMed 24842602 (cited by Labcorp Genetics (formerly Invitae), Labcorp and Diagnostics Centre, Carl Von Ossietzky University Oldenburg); PubMed 30891744 (cited by Diagnostics Centre, Carl Von Ossietzky University Oldenburg).